The following is an entry in ClinVar:

NM_138694.4(PKHD1):c.10469G>C (p.Ser3490Thr)

Gene: PKHD1 (PKHD1 ciliary IPT domain containing fibrocystin/polyductin; minus strand). Cytogenetic location: 6p12.3.
Variant type: single nucleotide variant.
Coding change: c.10469G>C on transcript NM_138694.4 (MANE Select); coding-DNA position 10469, G replaced by C.
Protein change: p.Ser3490Thr; replaces serine 3490 with threonine.
Molecular consequence: missense variant.
Genome position (GRCh38, 1-based): chr6:51,659,657, C>G on the plus strand (G>C on the coding strand, the complement: PKHD1 is on the minus strand). VCF-style: chr6-51659657-C-G. GRCh37 (hg19) VCF-style: chr6-51524455-C-G.
Other names: short protein forms S3490T.
Identifiers: ClinVar variation 640962 (VCV000640962.6), dbSNP rs149486694, ClinGen allele CA3851073.

ClinVar aggregate classification (germline): Uncertain significance. Review status: criteria provided, multiple submitters, no conflicts (2 of 4 stars). 4 submissions from 4 submitters: Uncertain significance (3). 1 of the submissions does not count toward it. Last evaluated 2026-03-31.

Conditions:
Polycystic kidney disease 4 (PKD4). Also called: POLYCYSTIC KIDNEY DISEASE 4 WITH OR WITHOUT POLYCYSTIC LIVER DISEASE; Autosomal Recessive Polycystic Kidney Disease – PKHD1; POLYCYSTIC KIDNEY AND HEPATIC DISEASE 1; POLYCYSTIC KIDNEY DISEASE, INFANTILE, TYPE I; PKD3. Identifiers: MedGen C4540575, MONDO:0033004, OMIM 263200.
Autosomal recessive polycystic kidney disease (ARPKD). Also called: AR polycystic kidney disease. Identifiers: Orphanet 731, Orphanet 8378, MedGen C0085548, MeSH D017044, MONDO:0009889.

Allele frequency attached by ClinVar (database versions not stated): TOPMed 0.00007; 1000 Genomes Project 30x 0.00016; ESP Exome Variant Server 0.00023.
gnomAD v4.1: 80 of 1,613,762 alleles (0.005%); highest among the groups gnomAD compares: Middle Eastern, 0.033%; no homozygotes.

Submissions (4):

Myriad Genetics, Inc.
Classification: Uncertain significance for Polycystic kidney disease 4. Last evaluated: 2026-03-31. Review status: criteria provided, single submitter. Criteria: Myriad Autosomal Dominant, Autosomal Recessive and X-Linked Classification Criteria (2023). Collection method: clinical testing. Allele origin: unknown.
Comment: NM_138694.3(PKHD1):c.10469G>C(S3490T) is a missense variant classified as a variant of uncertain significance in the context of autosomal recessive polycystic kidney disease, PKHD1-related. S3490T has been observed in a case with relevant disease (PMID: 39473742). Relevant functional assessments of this variant are not available in the literature. S3490T has been observed in referenced population frequency databases. In summary, there is insufficient evidence to classify NM_138694.3(PKHD1):c.10469G>C(S3490T) as pathogenic or benign. Please note: this variant was assessed in the context of healthy population screening.

GeneDx
Classification: Uncertain significance. Last evaluated: 2023-01-17. Review status: criteria provided, single submitter. Criteria: GeneDx Variant Classification Process June 2021. Collection method: clinical testing. Allele origin: germline. Affected: yes.
Comment: Not observed at significant frequency in large population cohorts (gnomAD); In silico analysis supports that this missense variant does not alter protein structure/function; Has not been previously published as pathogenic or benign to our knowledge

Labcorp Genetics (formerly Invitae), Labcorp
Classification: Uncertain significance for Autosomal recessive polycystic kidney disease. Last evaluated: 2022-09-06. Review status: criteria provided, single submitter. Criteria: Invitae Variant Classification Sherloc (09022015). Collection method: clinical testing. Allele origin: germline.
Comment: This sequence change replaces serine, which is neutral and polar, with threonine, which is neutral and polar, at codon 3490 of the PKHD1 protein (p.Ser3490Thr). This variant is present in population databases (rs149486694, gnomAD 0.007%). This variant has not been reported in the literature in individuals affected with PKHD1-related conditions. ClinVar contains an entry for this variant (Variation ID: 640962). Advanced modeling of protein sequence and biophysical properties (such as structural, functional, and spatial information, amino acid conservation, physicochemical variation, residue mobility, and thermodynamic stability) performed at Invitae indicates that this missense variant is not expected to disrupt PKHD1 protein function. In summary, the available evidence is currently insufficient to determine the role of this variant in disease. Therefore, it has been classified as a Variant of Uncertain Significance.

Natera, Inc.
Classification: Uncertain significance for Autosomal recessive polycystic kidney disease. Last evaluated: 2020-09-16. Review status: no assertion criteria provided. Collection method: clinical testing. Allele origin: germline. Not counted in ClinVar's aggregate classification.

Literature cited by the submitters: PubMed 39473742 (cited by Myriad Genetics, Inc.).